The following is an entry in ClinVar:

ClinVar aggregate classification (germline): Uncertain significance. Review status: criteria provided, multiple submitters, no conflicts (2 of 4 stars). 3 submissions from 3 submitters: Uncertain significance (3). Last evaluated 2025-09-08.

Conditions:
Cardiovascular phenotype. Identifiers: MedGen CN230736.
Hypertrophic cardiomyopathy. Also called: HYPERTROPHIC MYOCARDIOPATHY. Identifiers: Orphanet 217569, MedGen C0007194, MeSH D002312, MONDO:0005045, HP:0001639.

Allele frequency attached by ClinVar (database versions not stated): gnomAD 0.00001; gnomAD exomes 0.00001.
gnomAD v4.1: 6 of 1,445,834 alleles (0.00041%); highest among the groups gnomAD compares: Admixed American, 0.014%; no homozygotes.

Submissions (3):

Women's Health and Genetics/Laboratory Corporation of America, LabCorp
Classification: Uncertain significance. Last evaluated: 2025-09-08. Review status: criteria provided, single submitter. Criteria: LabCorp Variant Classification Summary - May 2015. Collection method: clinical testing. Allele origin: germline.

Ambry Genetics
Classification: Uncertain significance for Cardiovascular phenotype. Last evaluated: 2025-01-19. Review status: criteria provided, single submitter. Criteria: Ambry Variant Classification Scheme 2023. Collection method: clinical testing. Allele origin: germline.
Comment: The p.K216Q variant (also known as c.646A>C), located in coding exon 2 of the JPH2 gene, results from an A to C substitution at nucleotide position 646. The lysine at codon 216 is replaced by glutamine, an amino acid with similar properties. This amino acid position is conserved. In addition, this alteration is predicted to be tolerated by in silico analysis. Based on the available evidence, the clinical significance of this variant remains unclear.

Labcorp Genetics (formerly Invitae), Labcorp
Classification: Uncertain significance for Hypertrophic cardiomyopathy. Last evaluated: 2023-04-12. Review status: criteria provided, single submitter. Criteria: Invitae Variant Classification Sherloc (09022015). Collection method: clinical testing. Allele origin: germline.
Comment: In summary, the available evidence is currently insufficient to determine the role of this variant in disease. Therefore, it has been classified as a Variant of Uncertain Significance. Algorithms developed to predict the effect of missense changes on protein structure and function output the following: SIFT: "Not Available"; PolyPhen-2: "Benign"; Align-GVGD: "Not Available". The glutamine amino acid residue is found in multiple mammalian species, which suggests that this missense change does not adversely affect protein function. This variant has not been reported in the literature in individuals affected with JPH2-related conditions. This variant is present in population databases (no rsID available, gnomAD 0.02%). This sequence change replaces lysine, which is basic and polar, with glutamine, which is neutral and polar, at codon 216 of the JPH2 protein (p.Lys216Gln).

NM_020433.5(JPH2):c.646A>C (p.Lys216Gln)

Gene: JPH2 (junctophilin 2; minus strand). Cytogenetic location: 20q13.12.
Variant type: single nucleotide variant.
Coding change: c.646A>C on transcript NM_020433.5 (MANE Select); coding-DNA position 646, A replaced by C.
Protein change: p.Lys216Gln; replaces lysine 216 with glutamine.
Molecular consequence: missense variant.
Genome position (GRCh38, 1-based): chr20:44,160,141, T>G on the plus strand (A>C on the coding strand, the complement: JPH2 is on the minus strand). VCF-style: chr20-44160141-T-G. GRCh37 (hg19) VCF-style: chr20-42788781-T-G.
Other names: short protein forms K216Q.
Identifiers: ClinVar variation 2738262 (VCV002738262.5), dbSNP rs1485998965, ClinGen allele CA409093967.